The following is an entry in ClinVar:

NM_001353345.2(SETD1B):c.5511C>T (p.His1837=)

Gene: SETD1B (SET domain containing 1B, histone lysine methyltransferase; plus strand). Cytogenetic location: 12q24.31.
Variant type: single nucleotide variant.
Coding change: c.5511C>T on transcript NM_001353345.2 (MANE Select); coding-DNA position 5511, C replaced by T.
Protein change: p.His1837=; no amino-acid change (histidine 1837 retained).
Molecular consequence: synonymous variant.
Genome position (GRCh38, 1-based): chr12:121,827,776, C>T. VCF-style: chr12-121827776-C-T. GRCh37 (hg19) VCF-style: chr12-122265682-C-T.
Identifiers: ClinVar variation 4872868 (VCV004872868.2).

ClinVar aggregate classification (germline): Likely benign (1 of 4 stars; one submission).

gnomAD v4.1: 20 of 1,553,540 alleles (0.0013%); highest among the groups gnomAD compares: South Asian, 0.0095%; no homozygotes.

Submission:

CeGaT Center for Human Genetics Tuebingen
Classification: Likely benign. Last evaluated: 2026-07-01. Review status: criteria provided, single submitter. Criteria: CeGaT Center For Human Genetics Tuebingen Variant Classification Criteria Version 2. Collection method: clinical testing. Allele origin: germline. Affected: yes. Observed: 1 variant allele.
Comment: SETD1B: BP4, BP7